The following is an entry in ClinVar:

NM_004946.3(DOCK2):c.2553A>G (p.Gln851=)

Gene: DOCK2 (dedicator of cytokinesis 2; plus strand). Cytogenetic location: 5q35.1.
Variant type: single nucleotide variant.
Coding change: c.2553A>G on transcript NM_004946.3 (MANE Select); coding-DNA position 2553, A replaced by G.
Protein change: p.Gln851=; no amino-acid change (glutamine 851 retained).
Molecular consequence: synonymous variant. On other transcripts: non-coding transcript variant (1).
Genome position (GRCh38, 1-based): chr5:169,761,624, A>G. VCF-style: chr5-169761624-A-G. GRCh37 (hg19) VCF-style: chr5-169188628-A-G.
Other names: c.2553A>G (NM_004946.2).
Identifiers: ClinVar variation 1499273 (VCV001499273.9), dbSNP rs1764493514, ClinGen allele CA447853962.

ClinVar aggregate classification (germline): Conflicting classifications of pathogenicity. Review status: criteria provided, conflicting classifications (1 of 4 stars). 2 submissions from 2 submitters: Uncertain significance (1); Likely benign (1). Last evaluated 2024-07-27.

Conditions:
Inborn genetic diseases. Identifiers: MedGen C0950123, MeSH D030342.
DOCK2 deficiency. Also called: Immunodeficiency 40. Identifiers: Orphanet 447737, MedGen C4225328, MONDO:0014637, OMIM 616433.

Allele frequency attached by ClinVar (database versions not stated): gnomAD exomes 0.00001; TOPMed 0.00001.
gnomAD v4.1: 8 of 1,613,578 alleles (0.0005%); highest among the groups gnomAD compares: Non-Finnish European, 0.00068%; no homozygotes.

Submissions (2):

Ambry Genetics
Classification: Likely benign for Inborn genetic diseases. Last evaluated: 2024-07-27. Review status: criteria provided, single submitter. Criteria: Ambry Variant Classification Scheme 2023. Collection method: clinical testing. Allele origin: germline.

Labcorp Genetics (formerly Invitae), Labcorp
Classification: Uncertain significance for DOCK2 deficiency. Last evaluated: 2021-02-26. Review status: criteria provided, single submitter. Criteria: Invitae Variant Classification Sherloc (09022015). Collection method: clinical testing. Allele origin: germline.
Comment: Algorithms developed to predict the effect of sequence changes on RNA splicing suggest that this variant may create or strengthen a splice site, but this prediction has not been confirmed by published transcriptional studies. In summary, the available evidence is currently insufficient to determine the role of this variant in disease. Therefore, it has been classified as a Variant of Uncertain Significance. This sequence change affects codon 851 of the DOCK2 mRNA. It is a 'silent' change, meaning that it does not change the encoded amino acid sequence of the DOCK2 protein. This variant is not present in population databases (ExAC no frequency). This variant has not been reported in the literature in individuals with DOCK2-related conditions.